The following is an entry in ClinVar:

ClinVar aggregate classification (germline): Uncertain significance. Review status: criteria provided, multiple submitters, no conflicts (2 of 4 stars). 2 submissions from 2 submitters: Uncertain significance (2). Last evaluated 2025-08-14.

Conditions:
Myasthenic syndrome, congenital, 22 (CMS22). Also called: PREPL DEFICIENCY. Identifiers: MedGen C4479088, MONDO:0044299, OMIM 616224.
Inborn genetic diseases. Identifiers: MedGen C0950123, MeSH D030342.

Allele frequency attached by ClinVar (database versions not stated): gnomAD 0.00001 and 0.00002; gnomAD exomes 0.00001 and 0.00002; ExAC 0.00002; TOPMed 0.00003.

Submissions (2):

Ambry Genetics
Classification: Uncertain significance for Inborn genetic diseases. Last evaluated: 2025-08-14. Review status: criteria provided, single submitter. Criteria: Ambry Variant Classification Scheme 2023. Collection method: clinical testing. Allele origin: germline.

Labcorp Genetics (formerly Invitae), Labcorp
Classification: Uncertain significance for Myasthenic syndrome, congenital, 22. Last evaluated: 2022-08-09. Review status: criteria provided, single submitter. Criteria: Invitae Variant Classification Sherloc (09022015). Collection method: clinical testing. Allele origin: germline.
Comment: Algorithms developed to predict the effect of missense changes on protein structure and function (SIFT, PolyPhen-2, Align-GVGD) all suggest that this variant is likely to be tolerated. In summary, the available evidence is currently insufficient to determine the role of this variant in disease. Therefore, it has been classified as a Variant of Uncertain Significance. ClinVar contains an entry for this variant (Variation ID: 1016799). This variant has not been reported in the literature in individuals affected with PREPL-related conditions. This variant is present in population databases (rs752120139, gnomAD 0.006%). This sequence change replaces arginine, which is basic and polar, with cysteine, which is neutral and slightly polar, at codon 240 of the PREPL protein (p.Arg240Cys).

NM_001171613.2(PREPL):c.451C>T (p.Arg151Cys)

Gene: PREPL (prolyl endopeptidase like; minus strand). Cytogenetic location: 2p21.
Variant type: single nucleotide variant.
Coding change: c.451C>T on transcript NM_001171613.2 (MANE Select); coding-DNA position 451, C replaced by T.
Protein change: p.Arg151Cys; replaces arginine 151 with cysteine.
Molecular consequence: missense variant.
Genome position (GRCh38, 1-based): chr2:44,342,451, G>A on the plus strand (C>T on the coding strand, the complement: PREPL is on the minus strand). VCF-style: chr2-44342451-G-A. GRCh37 (hg19) VCF-style: chr2-44569590-G-A.
Other names: c.718C>T, p.Arg240Cys (NM_001042385.2, NM_001042386.2, NM_001171603.1 and 4 more transcripts); c.451C>T, p.Arg151Cys (NM_001171617.1, NM_001374277.1); short protein forms R151C, R240C.
Identifiers: ClinVar variation 1016799 (VCV001016799.9), dbSNP rs752120139, ClinGen allele CA1641474.
Genomic context (GRCh38, chr2:44,342,451, plus strand): 5'-AAGATTTAATTATATTATTCTAGTACCTTGGGTCTTTTTCTGTGTAAAAGCGTTCATTAC[G>A]TTTGTTATCACCAAAAGTGGCTCGATATACGTCATGACAGCGAAGGTTCCTCTGGAAGGT-3'
Protein context (NP_001165084.1, residues 141-161): VYRATFGDNK[Arg151Cys]NERFYTEKDP